The following is an entry in ClinVar:

ClinVar aggregate classification (germline): Benign/Likely benign. Review status: criteria provided, multiple submitters, no conflicts (2 of 4 stars). 4 submissions from 4 submitters: Benign (1); Likely benign (3). Last evaluated 2025-12-28.

Conditions:
Hereditary cancer-predisposing syndrome. Also called: Neoplastic Syndromes, Hereditary; Hereditary Cancer Syndrome; Hereditary neoplastic syndrome; Tumor predisposition. Identifiers: Orphanet 140162, MedGen C0027672, MeSH D009386, MONDO:0015356.
Hereditary breast ovarian cancer syndrome. Also called: Hereditary breast and ovarian cancer syndrome (HBOC); Hereditary breast and ovarian cancer syndrome; Breast and ovarian cancer; Hereditary breast and/or ovarian cancer syndrome; Hereditary breast and ovarian cancer; BRCA1- and BRCA2-Associated Hereditary Breast and Ovarian Cancer. Identifiers: Orphanet 145, MedGen C0677776, MeSH D061325, MONDO:0003582. Disease mechanism: loss of function.

Submissions (4):

Labcorp Genetics (formerly Invitae), Labcorp
Classification: Benign for Hereditary breast ovarian cancer syndrome. Last evaluated: 2025-12-28. Review status: criteria provided, single submitter. Criteria: Invitae Variant Classification Sherloc (09022015). Collection method: clinical testing. Allele origin: germline.

Women's Health and Genetics/Laboratory Corporation of America, LabCorp
Classification: Likely benign. Last evaluated: 2023-08-31. Review status: criteria provided, single submitter. Criteria: LabCorp Variant Classification Summary - May 2015. Collection method: clinical testing. Allele origin: germline.
Comment: Variant summary: BRCA2 c.7806-11delT alters a non-conserved nucleotide located at a position not widely known to affect splicing. Several computational tools predict a significant impact on normal splicing: Three predict the variant weakens the 3' canonical acceptor splice site. However, these predictions have yet to be confirmed by functional studies. The variant allele was found at a frequency of 1.6e-05 in 250444 control chromosomes. The available data on variant occurrences in the general population are insufficient to allow any conclusion about variant significance. To our knowledge, no occurrence of c.7806-11delT in individuals affected with Hereditary Breast And Ovarian Cancer Syndrome and no experimental evidence demonstrating its impact on protein function have been reported. Three submitters have cited clinical-significance assessments for this variant to ClinVar after 2014. All submitters classified the variant as benign/likely benign. Based on the evidence outlined above, the variant was classified as likely benign.

Color Diagnostics, LLC DBA Color Health
Classification: Likely benign for Hereditary cancer-predisposing syndrome. Last evaluated: 2018-08-07. Review status: criteria provided, single submitter. Criteria: ACMG Guidelines, 2015. Collection method: clinical testing. Allele origin: germline.

GeneDx
Classification: Likely benign. Last evaluated: 2017-08-03. Review status: criteria provided, single submitter. Criteria: GeneDx Variant Classification (06012015). Collection method: clinical testing. Allele origin: germline. Affected: yes.
Comment: This variant is considered likely benign or benign based on one or more of the following criteria: it is a conservative change, it occurs at a poorly conserved position in the protein, it is predicted to be benign by multiple in silico algorithms, and/or has population frequency not consistent with disease.

NM_000059.4(BRCA2):c.7806-11del

Gene: BRCA2 (BRCA2 DNA repair associated; plus strand). Cytogenetic location: 13q13.1.
Variant type: Deletion.
Coding change: c.7806-11del on transcript NM_000059.4 (MANE Select); 11 bases into the intron before coding-DNA position 7806, one base deleted (T; older notation c.7806-11delT).
Molecular consequence: intron variant.
Genome position (GRCh38, 1-based): chr13:32,362,512, T deleted; the last of 4 consecutive T bases (chr13:32,362,509-32,362,512); deleting any one gives the same sequence. VCF-style (leftmost placement, unchanged base first): chr13-32362508-CT-C. GRCh37 (hg19) VCF-style: chr13-32936645-CT-C.
Other names: c.7806-11delT (NM_000059.3).
Identifiers: ClinVar variation 462455 (VCV000462455.17), dbSNP rs755777054, ClinGen allele CA6941158.